The following is an entry in ClinVar:

NM_005006.7(NDUFS1):c.-47C>G

Genes: NDUFS1 (NADH:ubiquinone oxidoreductase core subunit S1; minus strand), LOC129935473 (ATAC-STARR-seq lymphoblastoid active region 17025; plus strand). Cytogenetic location: 2q33.3.
Variant type: single nucleotide variant.
Coding change: c.-47C>G on transcript NM_005006.7 (MANE Select); 47 bases upstream of the start codon, C replaced by G.
Molecular consequence: 5 prime UTR variant.
Genome position (GRCh38, 1-based): chr2:206,159,383, G>C on the plus strand (C>G on the coding strand, the complement: NDUFS1 is on the minus strand). VCF-style: chr2-206159383-G-C. GRCh37 (hg19) VCF-style: chr2-207024107-G-C.
Other names: c.-47C>G (NM_001199981.2); c.-103C>G (NM_001199982.2); c.-126C>G (NM_001199983.2).
Identifiers: ClinVar variation 333790 (VCV000333790.8), dbSNP rs4147707, ClinGen allele CA10612589.

ClinVar aggregate classification (germline): Benign. Review status: criteria provided, multiple submitters, no conflicts (2 of 4 stars). 4 submissions from 3 submitters: Benign (4). Last evaluated 2018-01-12.

Conditions:
Mitochondrial complex I deficiency, nuclear type 1. Also called: NADH-COENZYME Q REDUCTASE DEFICIENCY; MITOCHONDRIAL NADH DEHYDROGENASE COMPONENT OF COMPLEX I, DEFICIENCY OF. Identifiers: MedGen C6022305, MONDO:0100224, OMIM 252010.
Leigh syndrome (NULS). Also called: Leigh's syndrome; Leigh Syndrome (mtDNA deletion); Leigh Disease; Leigh's necrotizing encephalopathy; Leigh's disease; Subacute necrotizing encephalopathy. Identifiers: Orphanet 506, MedGen C2931891, MONDO:0009723, OMIM 256000.

Allele frequency attached by ClinVar (database versions not stated): 1000 Genomes Project 0.38019; 1000 Genomes Project 30x 0.39194; TOPMed 0.43850.
gnomAD v4.1: 226,832 of 559,318 alleles (41%); highest among the groups gnomAD compares: Middle Eastern, 50%; 47,451 homozygotes.

Submissions (4):

Illumina Laboratory Services, Illumina
Classification: Benign for Mitochondrial complex I deficiency, nuclear type 1. Last evaluated: 2018-01-12. Review status: criteria provided, single submitter. Criteria: ICSL Variant Classification Criteria 13 December 2019. Collection method: clinical testing. Allele origin: germline.
Comment: This variant was observed in the ICSL laboratory as part of a predisposition screen in an ostensibly healthy population. It had not been previously curated by ICSL or reported in the Human Gene Mutation Database (HGMD: prior to June 1st, 2018), and was therefore a candidate for classification through an automated scoring system. Utilizing variant allele frequency, disease prevalence and penetrance estimates, and inheritance mode, an automated score was calculated to assess if this variant is too frequent to cause the disease. Based on the score and internal cut-off values, a variant classified as benign is not then subjected to further curation. The score for this variant resulted in a classification of benign for this disease.

Illumina Laboratory Services, Illumina
Classification: Benign for Leigh syndrome. Last evaluated: 2018-01-12. Review status: criteria provided, single submitter. Criteria: ICSL Variant Classification Criteria 13 December 2019. Collection method: clinical testing. Allele origin: germline.
Comment: the same text as in the submission from Illumina Laboratory Services, Illumina above.

GeneDx
Classification: Benign. Last evaluated: 2015-03-03. Review status: criteria provided, single submitter. Criteria: GeneDx Variant Classification Process June 2021. Collection method: clinical testing. Allele origin: germline. Affected: yes.

Breakthrough Genomics
Classification: Benign. Review status: criteria provided, single submitter. Criteria: ACMG Guidelines, 2015. Collection method: not provided. Allele origin: germline. Inheritance: Autosomal recessive inheritance. Affected: yes.